The following is an entry in ClinVar:

ClinVar aggregate classification (germline): Likely benign (1 of 4 stars; one submission).

gnomAD v4.1: 9 of 1,550,198 alleles (0.00058%); highest among the groups gnomAD compares: Admixed American, 0.012%; no homozygotes.

Submission:

CeGaT Center for Human Genetics Tuebingen
Classification: Likely benign. Last evaluated: 2026-03-01. Review status: criteria provided, single submitter. Criteria: CeGaT Center For Human Genetics Tuebingen Variant Classification Criteria Version 2. Collection method: clinical testing. Allele origin: germline. Affected: yes. Observed: 1 variant allele.
Comment: TONSL: BP4, BP7

NM_013432.5(TONSL):c.447G>A (p.Glu149=)

Gene: TONSL (tonsoku like, DNA repair protein; minus strand). Cytogenetic location: 8q24.3.
Variant type: single nucleotide variant.
Coding change: c.447G>A on transcript NM_013432.5 (MANE Select); coding-DNA position 447, G replaced by A.
Protein change: p.Glu149=; no amino-acid change (glutamic acid 149 retained).
Molecular consequence: synonymous variant.
Genome position (GRCh38, 1-based): chr8:144,443,139, C>T on the plus strand (G>A on the coding strand, the complement: TONSL is on the minus strand). VCF-style: chr8-144443139-C-T. GRCh37 (hg19) VCF-style: chr8-145668522-C-T.
Identifiers: ClinVar variation 4823633 (VCV004823633.4).